The following is an entry in ClinVar:

ClinVar aggregate classification (germline): Benign. Review status: criteria provided, multiple submitters, no conflicts (2 of 4 stars). 2 submissions from 2 submitters: Benign (2). Last evaluated 2018-06-14.

Allele frequency attached by ClinVar (database versions not stated): 1000 Genomes Project 30x 0.62758; TOPMed 0.63394; 1000 Genomes Project 0.63498; gnomAD 0.64469 and 0.65016; gnomAD exomes 0.71277.

Submissions (2):

GeneDx
Classification: Benign. Last evaluated: 2018-06-14. Review status: criteria provided, single submitter. Criteria: GeneDx Variant Classification (06012015). Collection method: clinical testing. Allele origin: germline. Affected: yes.
Comment: This variant is considered likely benign or benign based on one or more of the following criteria: it is a conservative change, it occurs at a poorly conserved position in the protein, it is predicted to be benign by multiple in silico algorithms, and/or has population frequency not consistent with disease.

Breakthrough Genomics
Classification: Benign. Review status: criteria provided, single submitter. Criteria: ACMG Guidelines, 2015. Collection method: not provided. Allele origin: germline. Inheritance: Autosomal recessive inheritance. Affected: yes.

NM_005566.4(LDHA):c.834+198A>G

Gene: LDHA (lactate dehydrogenase A; plus strand). Cytogenetic location: 11p15.1.
Variant type: single nucleotide variant.
Coding change: c.834+198A>G on transcript NM_005566.4 (MANE Select); 198 bases into the intron after coding-DNA position 834, A replaced by G.
Molecular consequence: intron variant.
Genome position (GRCh38, 1-based): chr11:18,405,770, A>G. VCF-style: chr11-18405770-A-G. GRCh37 (hg19) VCF-style: chr11-18427317-A-G.
Other names: c.711-1347A>G (NM_001165416.2); c.660+198A>G (NM_001135239.2); c.688-1469A>G (NM_001165415.2); c.921+198A>G (NM_001165414.2).
Identifiers: ClinVar variation 683029 (VCV000683029.2), dbSNP rs3781641, ClinGen allele CA15683207.
Genomic context (GRCh38, chr11:18,405,770, plus strand): 5'-TTTGAAAGAAATGGTTGAGCTTTAGGATTAATGTCCATTAGGCCTGTTCAACACATAGAT[A>G]CTTGATAATTTGACTACAAAAAAGTCTTGTTCAATTATGCTGAGGTAGGTGGAAGACTAT-3'